The following is an entry in ClinVar:

NM_032242.4(PLXNA1):c.2843A>T (p.Tyr948Phe)

Gene: PLXNA1 (plexin A1; plus strand). Cytogenetic location: 3q21.3.
Variant type: single nucleotide variant.
Coding change: c.2843A>T on transcript NM_032242.4 (MANE Select); coding-DNA position 2843, A replaced by T.
Protein change: p.Tyr948Phe; replaces tyrosine 948 with phenylalanine.
Molecular consequence: missense variant.
Genome position (GRCh38, 1-based): chr3:127,014,797, A>T. VCF-style: chr3-127014797-A-T. GRCh37 (hg19) VCF-style: chr3-126733640-A-T.
Other names: short protein forms Y948F.
Identifiers: ClinVar variation 4978716 (VCV004978716.1).

ClinVar aggregate classification (germline): Uncertain significance (1 of 4 stars; one submission).

Conditions:
PLXNA1-related disorder. Also called: PLXNA1-related condition.

Submission:

PreventionGenetics, part of Exact Sciences
Classification: Uncertain significance for PLXNA1-related condition. Last evaluated: 2026-03-20. Review status: criteria provided, single submitter. Criteria: ACMG Guidelines, 2015. Collection method: clinical testing. Allele origin: germline.
Comment: The PLXNA1 c.2843A>T variant is predicted to result in the amino acid substitution p.Tyr948Phe. To our knowledge, this variant has not been reported in the literature or in a large population database (gnomAD), indicating this variant is rare. At this time, the clinical significance of this variant is uncertain due to the absence of conclusive functional and genetic evidence.